The following is an entry in ClinVar:

NM_020975.6(RET):c.1554C>T (p.Ser518=)

Gene: RET (ret proto-oncogene; plus strand). Cytogenetic location: 10q11.21.
Variant type: single nucleotide variant.
Coding change: c.1554C>T on transcript NM_020975.6 (MANE Select); coding-DNA position 1554, C replaced by T.
Protein change: p.Ser518=; no amino-acid change (serine 518 retained).
Molecular consequence: synonymous variant.
Genome position (GRCh38, 1-based): chr10:43,112,130, C>T. VCF-style: chr10-43112130-C-T. GRCh37 (hg19) VCF-style: chr10-43607578-C-T.
Other names: c.1554C>T, p.Ser518= (NM_000323.2, NM_001406743.1, NM_001406744.1 and 6 more transcripts); c.792C>T, p.Ser264= (NM_001355216.2); c.1425C>T, p.Ser475= (NM_001406761.1, NM_001406762.1, NM_001406764.1 and 1 more transcripts); c.1266C>T, p.Ser422= (NM_001406766.1, NM_001406767.1, NM_001406770.1); c.1158C>T, p.Ser386= (NM_001406769.1, NM_001406772.1); c.1116C>T, p.Ser372= (NM_001406771.1, NM_001406773.1); c.1029C>T, p.Ser343= (NM_001406774.1); c.828C>T, p.Ser276= (NM_001406775.1, NM_001406776.1, NM_001406777.1 and 1 more transcripts); and 5 more.
Identifiers: ClinVar variation 3069332 (VCV003069332.1), dbSNP rs2132797374, ClinGen allele CA469027620.

ClinVar aggregate classification (germline): Likely benign (1 of 4 stars; one submission).

Conditions:
Multiple endocrine neoplasia, type 2 (MEN2). Identifiers: Orphanet 653, MedGen C4048306, MONDO:0019003. Disease mechanism: gain of function.

Submission:

All of Us Research Program, National Institutes of Health
Classification: Likely benign for Multiple endocrine neoplasia, type 2. Last evaluated: 2022-11-30. Review status: criteria provided, single submitter. Criteria: ACMG Guidelines, 2015. Collection method: clinical testing. Allele origin: germline. Inheritance: Autosomal dominant inheritance. Observed: 1 variant allele, 1 heterozygote.
Comment: This study involves interpretation of variants in research participants for the purpose of population health screening. Participant phenotype was not available at the time of variant classification. Additional details can be found in publication PMID: 35346344, PMCID: PMC8962531